The following is an entry in ClinVar:

NM_024528.4(NKAP):c.587G>C (p.Arg196Thr)

Gene: NKAP (NFKB activating protein; minus strand). Cytogenetic location: Xq24.
Variant type: single nucleotide variant.
Coding change: c.587G>C on transcript NM_024528.4 (MANE Select); coding-DNA position 587, G replaced by C.
Protein change: p.Arg196Thr; replaces arginine 196 with threonine.
Molecular consequence: missense variant.
Genome position (GRCh38, 1-based): chrX:119,936,383, C>G on the plus strand (G>C on the coding strand, the complement: NKAP is on the minus strand). VCF-style: chrX-119936383-C-G. GRCh37 (hg19) VCF-style: chrX-119070346-C-G.
Other names: short protein forms R196T.
Identifiers: ClinVar variation 3912019 (VCV003912019.2).

ClinVar aggregate classification (germline): Uncertain significance (1 of 4 stars; one submission).

Submission:

Women's Health and Genetics/Laboratory Corporation of America, LabCorp
Classification: Uncertain significance. Last evaluated: 2025-07-07. Review status: criteria provided, single submitter. Criteria: LabCorp Variant Classification Summary - May 2015. Collection method: clinical testing. Allele origin: germline.
Comment: Variant summary: NKAP c.587G>C (p.Arg196Thr) results in a non-conservative amino acid change in the encoded protein sequence. Algorithms developed to predict the effect of missense changes on protein structure and function are either unavailable or do not agree on the potential impact of this missense change. The variant was absent in 168402 control chromosomes. The available data on variant occurrences in the general population are insufficient to allow any conclusion about variant significance. To our knowledge, no occurrence of c.587G>C in individuals affected with Intellectual Developmental Disorder, X-Linked, Syndromic, Hackmann-Di Donato Type and no experimental evidence demonstrating its impact on protein function have been reported. No submitters have cited clinical-significance assessments for this variant to ClinVar. Based on the evidence outlined above, the variant was classified as uncertain significance.